The following is an entry in ClinVar:

ClinVar aggregate classification (germline): Conflicting classifications of pathogenicity. Review status: criteria provided, conflicting classifications (1 of 4 stars). 2 submissions from 2 submitters: Uncertain significance (1); Likely benign (1). Last evaluated 2026-01-24.

Conditions:
Sulfite oxidase deficiency due to molybdenum cofactor deficiency type C. Also called: Molybdenum cofactor deficiency C; Molybdenum cofactor deficiency, complementation group C. Identifiers: Orphanet 308400, Orphanet 833, MedGen C1854990, MONDO:0014212, OMIM 615501.
Inborn genetic diseases. Identifiers: MedGen C0950123, MeSH D030342.

Allele frequency attached by ClinVar (database versions not stated): TOPMed 0.00002; gnomAD exomes 0.00001 and 0.00004; ExAC 0.00006; gnomAD 0.00001.
gnomAD v4.1: 15 of 1,607,038 alleles (0.00093%); highest among the groups gnomAD compares: Admixed American, 0.025%; no homozygotes.

Submissions (2):

Labcorp Genetics (formerly Invitae), Labcorp
Classification: Uncertain significance for Sulfite oxidase deficiency due to molybdenum cofactor deficiency type C. Last evaluated: 2026-01-24. Review status: criteria provided, single submitter. Criteria: Invitae Variant Classification Sherloc (09022015). Collection method: clinical testing. Allele origin: germline.
Comment: This sequence change replaces valine, which is neutral and non-polar, with isoleucine, which is neutral and non-polar, at codon 103 of the GPHN protein (p.Val103Ile). This variant is present in population databases (rs774132595, gnomAD 0.03%). This variant has not been reported in the literature in individuals affected with GPHN-related conditions. ClinVar contains an entry for this variant (Variation ID: 534546). Invitae Evidence Modeling of protein sequence and biophysical properties (such as structural, functional, and spatial information, amino acid conservation, physicochemical variation, residue mobility, and thermodynamic stability) indicates that this missense variant is not expected to disrupt GPHN protein function with a negative predictive value of 80%. In summary, the available evidence is currently insufficient to determine the role of this variant in disease. Therefore, it has been classified as a Variant of Uncertain Significance.

Ambry Genetics
Classification: Likely benign for Inborn genetic diseases. Last evaluated: 2024-12-04. Review status: criteria provided, single submitter. Criteria: Ambry Variant Classification Scheme 2023. Collection method: clinical testing. Allele origin: germline.

NM_020806.5(GPHN):c.307G>A (p.Val103Ile)

Gene: GPHN (gephyrin; plus strand). Cytogenetic location: 14q23.3.
Variant type: single nucleotide variant.
Coding change: c.307G>A on transcript NM_020806.5 (MANE Select); coding-DNA position 307, G replaced by A.
Protein change: p.Val103Ile; replaces valine 103 with isoleucine.
Molecular consequence: missense variant.
Genome position (GRCh38, 1-based): chr14:66,879,951, G>A. VCF-style: chr14-66879951-G-A. GRCh37 (hg19) VCF-style: chr14-67346669-G-A.
Other names: c.307G>A, p.Val103Ile (NM_001024218.2, NM_001377515.1, NM_001377516.1 and 2 more transcripts); c.346G>A, p.Val116Ile (NM_001377514.1, NM_001377519.1); short protein forms V103I, V116I.
Identifiers: ClinVar variation 534546 (VCV000534546.9), dbSNP rs774132595, ClinGen allele CA7233727.